The following is an entry in ClinVar:

NM_015158.5(KANK1):c.4059_*3dup (p.Phe1351_Ter1353=)

Gene: KANK1 (KN motif and ankyrin repeat domains 1; plus strand). Cytogenetic location: 9p24.3.
Variant type: Microsatellite.
Coding change: c.4059_*3dup on transcript NM_015158.5 (MANE Select); coding-DNA position 4059 through 3 bases downstream of the stop codon, 4 bases duplicated (ATTG; older notation c.4059_*3dupATTG).
Protein change: p.Phe1351_Ter1353=.
Molecular consequence: no sequence alteration. On other transcripts: non-coding transcript variant (1).
Genome position (GRCh38, 1-based): chr9:745,235-745,238, ATTG duplicated; duplicating any 4 consecutive bases within chr9:745,228-745,238 gives the same sequence; the c. name uses the placement nearest the transcript's 3' end. VCF-style (leftmost placement, unchanged base first): chr9-745227-T-TTTGA. GRCh37 (hg19) VCF-style: chr9-745227-T-TTTGA.
Other names: c.4059_*3dup, p.Phe1351_Ter1353= (NM_001256876.3, NM_001256877.3, NM_001354334.2); c.3819_*3dup, p.Phe1271_Ter1273= (NM_001354331.2); c.4005_*3dup, p.Phe1333_Ter1335= (NM_001354332.2); c.3585_*3dup, p.Phe1193_Ter1195= (NM_001354333.2, NM_001354335.2, NM_001354337.2 and 2 more transcripts); c.3291_*3dup, p.Phe1095_Ter1097= (NM_001354336.2); c.3531_*3dup, p.Phe1175_Ter1177= (NM_001354338.2, NM_001354340.2, NM_001354344.2); c.3345_*3dup, p.Phe1113_Ter1115= (NM_001354339.2, NM_001354342.2, NM_001354343.2).
Identifiers: ClinVar variation 1470509 (VCV001470509.6), dbSNP rs759773245, ClinGen allele CA4961366.

ClinVar aggregate classification (germline): Uncertain significance (1 of 4 stars; one submission).

Submission:

Labcorp Genetics (formerly Invitae), Labcorp
Classification: Uncertain significance. Last evaluated: 2023-07-10. Review status: criteria provided, single submitter. Criteria: Invitae Variant Classification Sherloc (09022015). Collection method: clinical testing. Allele origin: germline.
Comment: In summary, the available evidence is currently insufficient to determine the role of this variant in disease. Therefore, it has been classified as a Variant of Uncertain Significance. This variant has not been reported in the literature in individuals affected with KANK1-related conditions. This variant is present in population databases (rs765639225, gnomAD 0.02%). This variant occurs in a non-coding region of the KANK1 gene. It does not change the encoded amino acid sequence of the KANK1 protein.